The following is an entry in ClinVar:

ClinVar aggregate classification (germline): Uncertain significance. Review status: criteria provided, multiple submitters, no conflicts (2 of 4 stars). 3 submissions from 3 submitters: Uncertain significance (3). Last evaluated 2023-10-16.

Conditions:
Lymphoproliferative syndrome 1 (LPFS1). Identifiers: Orphanet 238505, Orphanet 538963, MedGen C3552634, MONDO:0013081, OMIM 613011.
Inborn genetic diseases. Identifiers: MedGen C0950123, MeSH D030342.

Allele frequency attached by ClinVar (database versions not stated): ExAC 0.00002; gnomAD 0.00003 and 0.00004; TOPMed 0.00003; gnomAD exomes 0.00004.

Submissions (3):

Ambry Genetics
Classification: Uncertain significance for Inborn genetic diseases. Last evaluated: 2023-10-16. Review status: criteria provided, single submitter. Criteria: Ambry Variant Classification Scheme 2023. Collection method: clinical testing. Allele origin: germline.

Labcorp Genetics (formerly Invitae), Labcorp
Classification: Uncertain significance for Lymphoproliferative syndrome 1. Last evaluated: 2022-06-15. Review status: criteria provided, single submitter. Criteria: Invitae Variant Classification Sherloc (09022015). Collection method: clinical testing. Allele origin: germline.
Comment: This sequence change replaces leucine, which is neutral and non-polar, with proline, which is neutral and non-polar, at codon 136 of the ITK protein (p.Leu136Pro). This variant is present in population databases (rs540238373, gnomAD 0.01%). This variant has not been reported in the literature in individuals affected with ITK-related conditions. ClinVar contains an entry for this variant (Variation ID: 940441). Advanced modeling of protein sequence and biophysical properties (such as structural, functional, and spatial information, amino acid conservation, physicochemical variation, residue mobility, and thermodynamic stability) performed at Invitae indicates that this missense variant is not expected to disrupt ITK protein function. In summary, the available evidence is currently insufficient to determine the role of this variant in disease. Therefore, it has been classified as a Variant of Uncertain Significance.

Blueprint Genetics
Classification: Uncertain significance. Last evaluated: 2020-12-02. Review status: criteria provided, single submitter. Criteria: ACMG Guidelines, 2015. Collection method: clinical testing. Allele origin: germline.

NM_005546.4(ITK):c.407T>C (p.Leu136Pro)

Gene: ITK (IL2 inducible T cell kinase; plus strand). Cytogenetic location: 5q33.3.
Variant type: single nucleotide variant.
Coding change: c.407T>C on transcript NM_005546.4 (MANE Select); coding-DNA position 407, T replaced by C.
Protein change: p.Leu136Pro; replaces leucine 136 with proline.
Molecular consequence: missense variant.
Genome position (GRCh38, 1-based): chr5:157,214,272, T>C. VCF-style: chr5-157214272-T-C. GRCh37 (hg19) VCF-style: chr5-156641283-T-C.
Other names: short protein forms L136P.
Identifiers: ClinVar variation 940441 (VCV000940441.6), dbSNP rs540238373, ClinGen allele CA3532739.